The following is an entry in ClinVar:

NM_005732.4(RAD50):c.3704C>A (p.Thr1235Lys)

Genes: TH2LCRR (T helper type 2 locus control region associated RNA; minus strand), TH2-LCR (Th2 cytokine locus control region; plus strand), RAD50 (RAD50 double strand break repair protein; plus strand). Cytogenetic location: 5q31.1.
Variant type: single nucleotide variant.
Coding change: c.3704C>A on transcript NM_005732.4 (MANE Select); coding-DNA position 3704, C replaced by A.
Protein change: p.Thr1235Lys; replaces threonine 1235 with lysine.
Molecular consequence: missense variant.
Genome position (GRCh38, 1-based): chr5:132,640,757, C>A. VCF-style: chr5-132640757-C-A. GRCh37 (hg19) VCF-style: chr5-131976449-C-A.
Other names: short protein forms T1235K.
Identifiers: ClinVar variation 824100 (VCV000824100.4), dbSNP rs1581023783, ClinGen allele CA360934553.

ClinVar aggregate classification (germline): Uncertain significance (1 of 4 stars; one submission).

Conditions:
Hereditary cancer-predisposing syndrome. Also called: Neoplastic Syndromes, Hereditary; Tumor predisposition; Hereditary neoplastic syndrome; Hereditary Cancer Syndrome. Identifiers: Orphanet 140162, MedGen C0027672, MeSH D009386, MONDO:0015356.

Allele frequency attached by ClinVar (database versions not stated): gnomAD exomes below 0.00001.
gnomAD v4.1: 2 of 1,614,210 alleles (0.00012%); highest among the groups gnomAD compares: Non-Finnish European, 0.00017%; no homozygotes.

Submission:

Ambry Genetics
Classification: Uncertain significance for Hereditary cancer-predisposing syndrome. Last evaluated: 2020-03-06. Review status: criteria provided, single submitter. Criteria: Ambry Variant Classification Scheme 2023. Collection method: clinical testing. Allele origin: germline.
Comment: The p.T1235K variant (also known as c.3704C>A), located in coding exon 24 of the RAD50 gene, results from a C to A substitution at nucleotide position 3704. The threonine at codon 1235 is replaced by lysine, an amino acid with similar properties. This amino acid position is highly conserved in available vertebrate species. In addition, this alteration is predicted to be deleterious by in silico analysis. Since supporting evidence is limited at this time, the clinical significance of this alteration remains unclear.